The following is an entry in ClinVar:

ClinVar aggregate classification (germline): Uncertain significance. Review status: criteria provided, multiple submitters, no conflicts (2 of 4 stars). 2 submissions from 2 submitters: Uncertain significance (2). Last evaluated 2023-01-26.

Conditions:
Duchenne muscular dystrophy (DMD). Also called: MUSCULAR DYSTROPHY, PSEUDOHYPERTROPHIC PROGRESSIVE, DUCHENNE TYPE; Duchenne Muscular Dystrophy (DMD). Identifiers: Orphanet 98896, MedGen C0013264, MONDO:0010679, OMIM 310200.

Submissions (2):

Labcorp Genetics (formerly Invitae), Labcorp
Classification: Uncertain significance for Duchenne muscular dystrophy. Last evaluated: 2023-01-26. Review status: criteria provided, single submitter. Criteria: Invitae Variant Classification Sherloc (09022015). Collection method: clinical testing. Allele origin: germline.
Comment: This sequence change replaces asparagine, which is neutral and polar, with lysine, which is basic and polar, at codon 2507 of the DMD protein (p.Asn2507Lys). This variant is not present in population databases (gnomAD no frequency). This variant has not been reported in the literature in individuals affected with DMD-related conditions. ClinVar contains an entry for this variant (Variation ID: 497928). Advanced modeling of protein sequence and biophysical properties (such as structural, functional, and spatial information, amino acid conservation, physicochemical variation, residue mobility, and thermodynamic stability) performed at Invitae indicates that this missense variant is not expected to disrupt DMD protein function. In summary, the available evidence is currently insufficient to determine the role of this variant in disease. Therefore, it has been classified as a Variant of Uncertain Significance.

Eurofins Ntd Llc (ga)
Classification: Uncertain significance. Last evaluated: 2018-02-13. Review status: criteria provided, single submitter. Criteria: EGL ClinVar v180209 classification definitions. Collection method: clinical testing. Allele origin: germline. Observed: 2 variant alleles, 1 homozygote, 1 hemizygote.

NM_004006.3(DMD):c.7521C>G (p.Asn2507Lys)

Gene: DMD (dystrophin; minus strand). Cytogenetic location: Xp21.1.
Variant type: single nucleotide variant.
Coding change: c.7521C>G on transcript NM_004006.3 (MANE Select); coding-DNA position 7521, C replaced by G.
Protein change: p.Asn2507Lys; replaces asparagine 2507 with lysine.
Molecular consequence: missense variant.
Genome position (GRCh38, 1-based): chrX:31,773,981, G>C on the plus strand (C>G on the coding strand, the complement: DMD is on the minus strand). VCF-style: chrX-31773981-G-C. GRCh37 (hg19) VCF-style: chrX-31792098-G-C.
Other names: c.7497C>G, p.Asn2499Lys (NM_000109.4); c.7509C>G, p.Asn2503Lys (NM_004009.3); c.7152C>G, p.Asn2384Lys (NM_004010.3); c.3498C>G, p.Asn1166Lys (NM_004011.4); c.3489C>G, p.Asn1163Lys (NM_004012.4); c.141C>G, p.Asn47Lys (NM_004013.3, NM_004020.4, NM_004021.3 and 2 more transcripts); short protein forms N2507K, N2503K, N1163K, N2384K, N47K, N1166K, N2499K.
Identifiers: ClinVar variation 497928 (VCV000497928.8), dbSNP rs112516305, ClinGen allele CA412658675.